The following is an entry in ClinVar:

NM_006231.4(POLE):c.3989C>G (p.Pro1330Arg)

Gene: POLE (DNA polymerase epsilon, catalytic subunit; minus strand). Cytogenetic location: 12q24.33.
Variant type: single nucleotide variant.
Coding change: c.3989C>G on transcript NM_006231.4 (MANE Select); coding-DNA position 3989, C replaced by G.
Protein change: p.Pro1330Arg; replaces proline 1330 with arginine.
Molecular consequence: missense variant.
Genome position (GRCh38, 1-based): chr12:132,649,322, G>C on the plus strand (C>G on the coding strand, the complement: POLE is on the minus strand). VCF-style: chr12-132649322-G-C. GRCh37 (hg19) VCF-style: chr12-133225908-G-C.
Other names: short protein forms P1330R.
Identifiers: ClinVar variation 2447959 (VCV002447959.5), dbSNP rs1409584745, ClinGen allele CA387384687.
Genomic context (GRCh38, chr12:132,649,322, plus strand): 5'-CCATCAGCAGAGCCACTGCCCTCCCCTTGGATCAAGGTCTATACCTGCACAATCTGCCAC[G>C]GAAGGTCCAGGATGCTGCGGGCAGTTCTTCGCAAGAAGCTCCCCAGCCCCGTGGCAGGAC-3'
Protein context (NP_006222.2, residues 1320-1340): RRTARSILDL[Pro1330Arg]WQIVQISETS

ClinVar aggregate classification (germline): Uncertain significance. Review status: criteria provided, multiple submitters, no conflicts (2 of 4 stars). 2 submissions from 2 submitters: Uncertain significance (2). Last evaluated 2023-05-19.

Conditions:
Hereditary cancer-predisposing syndrome. Also called: Neoplastic Syndromes, Hereditary; Hereditary Cancer Syndrome; Tumor predisposition; Hereditary neoplastic syndrome. Identifiers: Orphanet 140162, MedGen C0027672, MeSH D009386, MONDO:0015356.

Submissions (2):

Labcorp Genetics (formerly Invitae), Labcorp
Classification: Uncertain significance. Last evaluated: 2023-05-19. Review status: criteria provided, single submitter. Criteria: Invitae Variant Classification Sherloc (09022015). Collection method: clinical testing. Allele origin: germline.
Comment: This variant has not been reported in the literature in individuals affected with POLE-related conditions. In summary, the available evidence is currently insufficient to determine the role of this variant in disease. Therefore, it has been classified as a Variant of Uncertain Significance. Advanced modeling of protein sequence and biophysical properties (such as structural, functional, and spatial information, amino acid conservation, physicochemical variation, residue mobility, and thermodynamic stability) performed at Invitae indicates that this missense variant is not expected to disrupt POLE protein function. ClinVar contains an entry for this variant (Variation ID: 2447959). This variant is not present in population databases (gnomAD no frequency). This sequence change replaces proline, which is neutral and non-polar, with arginine, which is basic and polar, at codon 1330 of the POLE protein (p.Pro1330Arg).

Ambry Genetics
Classification: Uncertain significance for Hereditary cancer-predisposing syndrome. Last evaluated: 2023-03-06. Review status: criteria provided, single submitter. Criteria: Ambry Variant Classification Scheme 2023. Collection method: clinical testing. Allele origin: germline.
Comment: The p.P1330R variant (also known as c.3989C>G), located in coding exon 31 of the POLE gene, results from a C to G substitution at nucleotide position 3989. The proline at codon 1330 is replaced by arginine, an amino acid with dissimilar properties. This amino acid position is conserved. In addition, the in silico prediction for this alteration is inconclusive. Since supporting evidence is limited at this time, the clinical significance of this alteration remains unclear.